The following is an entry in ClinVar:

ClinVar aggregate classification (germline): Uncertain significance. Review status: criteria provided, multiple submitters, no conflicts (2 of 4 stars). 2 submissions from 2 submitters: Uncertain significance (2). Last evaluated 2024-03-13.

Conditions:
Brown syndrome. Also called: Brown anomaly. Identifiers: MedGen C0155339, MONDO:0014624, OMIM 616407, HP:0031622.

Allele frequency attached by ClinVar (database versions not stated): gnomAD 0.00001; ExAC 0.00002; gnomAD exomes 0.00007.
gnomAD v4.1: 101 of 1,591,524 alleles (0.0063%); highest among the groups gnomAD compares: Non-Finnish European, 0.0084%; no homozygotes.

Submissions (2):

Broad Center for Mendelian Genomics, Broad Institute of MIT and Harvard
Classification: Uncertain significance for Brown syndrome. Last evaluated: 2024-03-13. Review status: criteria provided, single submitter. Criteria: ACMG Guidelines, 2015. Collection method: curation. Allele origin: germline. Inheritance: Autosomal recessive inheritance.
Comment: The heterozygous p.Arg1311His variant in TOGARAM1 was identified by our study, in the compound heterozygous state with a variant of uncertain significance (dbSNP ID: rs200833388), in monozygotic twins with Brown syndrome, via a collaborative study between the Broad Institute's Center for Mendelian Genomics and the Engle lab. These individuals also carried a variant of uncertain significance (dbSNP ID: rs200833388), however the phase of these variants are unknown at this time. We believe this is a possible phenotype expansion for TOGARAM1-related disorders. The p.Arg1311His variant in TOGARAM1 has not been previously reported in individuals with Joubert syndrome 37 but has been identified in 0.003% (1/30716) of Latino/Admixed American chromosomes by the Genome Aggregation Database (gnomAD; dbSNP ID: rs201399500). Although this variant has been seen in the general population in a heterozygous state, its frequency is low enough to be consistent with a recessive carrier frequency. One additional likely pathogenic variant, resulting in a different amino acid change at the same position, p.Arg1311Cys, has been reported in association with disease in the literature and in ClinVar, slightly supporting that a change at this position may not be tolerated (PMID: 32453716, Variation ID: 979054). Computational prediction tools and conservation analyses suggest that this variant may impact the protein, though this information is not predictive enough to determine pathogenicity. In summary, the clinical significance of the p.Arg1311His variant is uncertain. ACMG/AMP Criteria applied: PM2_Supporting, PM5_Supporting, PP3 (Richards 2015).

CeGaT Center for Human Genetics Tuebingen
Classification: Uncertain significance. Last evaluated: 2024-03-01. Review status: criteria provided, single submitter. Criteria: CeGaT Center For Human Genetics Tuebingen Variant Classification Criteria Version 2. Collection method: clinical testing. Allele origin: germline. Affected: yes. Observed: 1 variant allele.
Comment: TOGARAM1: PM2, PM5, PP3

Literature cited by the submitters: PubMed 39033378 (cited by Broad Center for Mendelian Genomics, Broad Institute of MIT and Harvard).

NM_001308120.2(TOGARAM1):c.3932G>A (p.Arg1311His)

Gene: TOGARAM1 (TOG array regulator of axonemal microtubules 1; plus strand). Cytogenetic location: 14q21.2.
Variant type: single nucleotide variant.
Coding change: c.3932G>A on transcript NM_001308120.2 (MANE Select); coding-DNA position 3932, G replaced by A.
Protein change: p.Arg1311His; replaces arginine 1311 with histidine.
Molecular consequence: missense variant. On other transcripts: non-coding transcript variant (1).
Genome position (GRCh38, 1-based): chr14:45,044,648, G>A. VCF-style: chr14-45044648-G-A. GRCh37 (hg19) VCF-style: chr14-45513851-G-A.
Other names: NR_131765.2:n.3995G>A; c.3932G>A, p.Arg1311His (NM_015091.4); short protein forms R1311H.
Identifiers: ClinVar variation 3061826 (VCV003061826.22), dbSNP rs201399500, ClinGen allele CA7167658.